The following is an entry in ClinVar:

ClinVar aggregate classification (germline): Uncertain significance (1 of 4 stars; one submission).

Submission:

Labcorp Genetics (formerly Invitae), Labcorp
Classification: Uncertain significance. Last evaluated: 2024-02-17. Review status: criteria provided, single submitter. Criteria: Invitae Variant Classification Sherloc (09022015). Collection method: clinical testing. Allele origin: germline.
Comment: This sequence change replaces serine, which is neutral and polar, with proline, which is neutral and non-polar, at codon 993 of the RBP3 protein (p.Ser993Pro). This variant is not present in population databases (gnomAD no frequency). This variant has not been reported in the literature in individuals affected with RBP3-related conditions. ClinVar contains an entry for this variant (Variation ID: 1391693). An algorithm developed to predict the effect of missense changes on protein structure and function (PolyPhen-2) suggests that this variant is likely to be tolerated. In summary, the available evidence is currently insufficient to determine the role of this variant in disease. Therefore, it has been classified as a Variant of Uncertain Significance.

NM_002900.3(RBP3):c.2977T>C (p.Ser993Pro)

Gene: RBP3 (retinol binding protein 3; plus strand). Cytogenetic location: 10q11.22.
Variant type: single nucleotide variant.
Coding change: c.2977T>C on transcript NM_002900.3 (MANE Select); coding-DNA position 2977, T replaced by C.
Protein change: p.Ser993Pro; replaces serine 993 with proline.
Molecular consequence: missense variant.
Genome position (GRCh38, 1-based): chr10:47,351,461, T>C. VCF-style: chr10-47351461-T-C. GRCh37 (hg19) VCF-style: chr10-48387901-A-G.
Other names: short protein forms S993P.
Identifiers: ClinVar variation 1391693 (VCV001391693.6), dbSNP rs2132255921, ClinGen allele CA376675904.
Genomic context (GRCh38, chr10:47,351,461, plus strand): 5'-TCCAGGGTGACCTCAGAAGTGGCCCTAGCCGAGATCCTGGGGGCTGACCTGCAGATGCTC[T>C]CCGGAGACCCACACCTGAAGGCAGCCCATATCCCTGAGAATGCCAAGGACCGCATTCCTG-3'
Protein context (NP_002891.1, residues 983-1003): EILGADLQML[Ser993Pro]GDPHLKAAHI